The following is an entry in ClinVar:

NM_001283009.2(RTEL1):c.2374C>G (p.Leu792Val)

Genes: RTEL1 (regulator of telomere elongation helicase 1; plus strand), RTEL1-TNFRSF6B (RTEL1-TNFRSF6B readthrough (NMD candidate); plus strand). Cytogenetic location: 20q13.33.
Variant type: single nucleotide variant.
Coding change: c.2374C>G on transcript NM_001283009.2 (MANE Select); coding-DNA position 2374, C replaced by G.
Protein change: p.Leu792Val; replaces leucine 792 with valine.
Molecular consequence: missense variant. On other transcripts: non-coding transcript variant (1).
Genome position (GRCh38, 1-based): chr20:63,690,402, C>G. VCF-style: chr20-63690402-C-G. GRCh37 (hg19) VCF-style: chr20-62321755-C-G.
Other names: c.1705C>G, p.Leu569Val (NM_001283010.1); c.2374C>G, p.Leu792Val (NM_016434.4); c.2446C>G, p.Leu816Val (NM_032957.5); short protein forms L792V, L816V, L569V.
Identifiers: ClinVar variation 3790972 (VCV003790972.1).

ClinVar aggregate classification (germline): Uncertain significance (1 of 4 stars; one submission).

Conditions:
Inborn genetic diseases. Identifiers: MedGen C0950123, MeSH D030342.

Submission:

Ambry Genetics
Classification: Uncertain significance for Inborn genetic diseases. Last evaluated: 2024-12-15. Review status: criteria provided, single submitter. Criteria: Ambry Variant Classification Scheme 2023. Collection method: clinical testing. Allele origin: germline.
Comment: The p.L792V variant (also known as c.2374C>G), located in coding exon 25 of the RTEL1 gene, results from a C to G substitution at nucleotide position 2374. The leucine at codon 792 is replaced by valine, an amino acid with highly similar properties. This amino acid position is conserved. In addition, this alteration is predicted to be tolerated by in silico analysis. Based on the available evidence, the clinical significance of this variant remains unclear.